The following is an entry in ClinVar:

ClinVar aggregate classification (germline): Uncertain significance (1 of 4 stars; one submission).

Conditions:
Dilated cardiomyopathy 1CC (CMD1CC). Identifiers: Orphanet 154, MedGen C2751084, MONDO:0013147, OMIM 613122.
Hypertrophic cardiomyopathy 20. Identifiers: MedGen C3151267, MONDO:0013477, OMIM 613876.

Submission:

Labcorp Genetics (formerly Invitae), Labcorp
Classification: Uncertain significance for Dilated cardiomyopathy 1CC; Hypertrophic cardiomyopathy 20. Last evaluated: 2017-10-31. Review status: criteria provided, single submitter. Criteria: Invitae Variant Classification Sherloc (09022015). Collection method: clinical testing. Allele origin: germline.
Comment: In summary, the available evidence is currently insufficient to determine the role of this variant in disease. Therefore, it has been classified as a Variant of Uncertain Significance. The current clinical and genetic evidence is not sufficient to establish whether loss-of-function variants in NEXN cause disease. This variant has not been reported in the literature in individuals with NEXN-related disease. This variant is not present in population databases (ExAC no frequency). This sequence change creates a premature translational stop signal (p.Gly634Glufs*51) in the NEXN gene. It is expected to result in an absent or disrupted protein product.

NM_144573.4(NEXN):c.1901_1904delinsTCT (p.Gly634fs)

Gene: NEXN (nexilin F-actin binding protein; plus strand). Cytogenetic location: 1p31.1.
Variant type: Indel.
Coding change: c.1901_1904delinsTCT on transcript NM_144573.4 (MANE Select); coding-DNA positions 1901 to 1904, GAGA replaced by TCT.
Protein change: p.Gly634fs; shifts the reading frame from glycine 634.
Molecular consequence: frameshift variant.
Genome position (GRCh38, 1-based): chr1:77,942,702-77,942,705, GAGA replaced by TCT. VCF-style: chr1-77942702-GAGA-TCT. GRCh37 (hg19) VCF-style: chr1-78408387-GAGA-TCT.
Other names: c.1709_1712delinsTCT, p.Gly570fs (NM_001172309.2); short protein forms G570fs, G634fs.
Identifiers: ClinVar variation 538109 (VCV000538109.5), dbSNP rs1553242300, ClinGen allele CA658795480.
Genomic context (GRCh38, chr1:77,942,702, plus strand): 5'-CATGGTGGTTTGAAGGAGAAATACTGCAGGATGGAGAAGACTATCAATATATTGAAAGGG[GAGA>TCT]AACTTACTGCCTTTACTTACCAGAAACTTTCCCAGAAGATGGAGGAGAGTATATGTGTAA-3'